The following is an entry in ClinVar:

ClinVar aggregate classification (germline): Conflicting classifications of pathogenicity. Review status: criteria provided, conflicting classifications (1 of 4 stars). 3 submissions from 3 submitters: Uncertain significance (2); Likely benign (1). Last evaluated 2025-10-17.

Conditions:
Cardiovascular phenotype. Identifiers: MedGen CN230736.
Long QT syndrome (LQTS). Identifiers: MedGen C0023976, MeSH D008133, MONDO:0002442. Disease mechanism: loss of function. Inheritance: Various modes of inheritance.
Cardiac arrhythmia, ankyrin-B-related. Also called: ANKYRIN-B SYNDROME. Identifiers: Orphanet 101016, Orphanet 768, MedGen C1970119, MONDO:0010958, OMIM 600919.

Allele frequency attached by ClinVar (database versions not stated): TOPMed 0.00001.
gnomAD v4.1: 10 of 1,613,978 alleles (0.00062%); highest among the groups gnomAD compares: Non-Finnish European, 0.00085%; no homozygotes.

Submissions (3):

Labcorp Genetics (formerly Invitae), Labcorp
Classification: Uncertain significance for Long QT syndrome. Last evaluated: 2025-10-17. Review status: criteria provided, single submitter. Criteria: Invitae Variant Classification Sherloc (09022015). Collection method: clinical testing. Allele origin: germline.
Comment: This sequence change replaces glycine, which is neutral and non-polar, with arginine, which is basic and polar, at codon 2648 of the ANK2 protein (p.Gly2648Arg). This variant is present in population databases (rs199828363, gnomAD 0.0009%). This variant has not been reported in the literature in individuals affected with ANK2-related conditions. ClinVar contains an entry for this variant (Variation ID: 191412). An algorithm developed to predict the effect of missense changes on protein structure and function (PolyPhen-2) suggests that this variant is likely to be tolerated. In summary, the available evidence is currently insufficient to determine the role of this variant in disease. Therefore, it has been classified as a Variant of Uncertain Significance.

Ambry Genetics
Classification: Likely benign for Cardiovascular phenotype. Last evaluated: 2020-03-25. Review status: criteria provided, single submitter. Criteria: Ambry Variant Classification Scheme 2023. Collection method: clinical testing. Allele origin: germline.

Biesecker Lab/Clinical Genomics Section, National Institutes of Health
Classification: Uncertain significance. Last evaluated: 2013-06-24. Review status: criteria provided, single submitter. Criteria: Ng et al. (Circ Cardiovasc Genet. 2013). Collection method: research. Allele origin: unknown. Observed: 1 variant allele. Study: ClinSeq.
Comment: The study set was not selected for affection status in relation to any cancer. Pathogenicity categories were based on literature curation. See Pubmed ID:23861362 for details.

Medical sequencing

Literature cited by the submitters: PubMed 23861362 (cited by Ambry Genetics).

NM_001148.6(ANK2):c.7942G>C (p.Gly2648Arg)

Genes: ANK2 (ankyrin 2; plus strand), LOC126807137 (CDK7 strongly-dependent group 2 enhancer GRCh37_chr4:114276560-114277759; plus strand). Cytogenetic location: 4q26.
Variant type: single nucleotide variant.
Coding change: c.7942G>C on transcript NM_001148.6 (MANE Select); coding-DNA position 7942, G replaced by C.
Protein change: p.Gly2648Arg; replaces glycine 2648 with arginine.
Molecular consequence: missense variant. On other transcripts: intron variant (68).
Genome position (GRCh38, 1-based): chr4:113,356,560, G>C. VCF-style: chr4-113356560-G-C. GRCh37 (hg19) VCF-style: chr4-114277716-G-C.
Other names: c.7708G>C, p.Gly2570Arg (NM_001386142.1); c.4342G>C, p.Gly1448Arg (NM_001386166.1); c.8083G>C, p.Gly2695Arg (NM_001386174.1); c.8059G>C, p.Gly2687Arg (NM_001386175.1); c.4412-4263G>C (NM_001386186.2, NM_001386148.2); c.4214-4263G>C (NM_001354269.3); c.4292-4263G>C (NM_001386187.2); c.4253-4263G>C (NM_001386147.1); and 35 more; short protein forms G2648R, G1448R, G2570R, G2687R, G2695R.
Identifiers: ClinVar variation 191412 (VCV000191412.7), dbSNP rs199828363, ClinGen allele CA236567.